The following is an entry in ClinVar:

NM_001458.5(FLNC):c.917_918delinsTT (p.Gly306Val)

Gene: FLNC (filamin C; plus strand). Cytogenetic location: 7q32.1.
Variant type: Indel.
Coding change: c.917_918delinsTT on transcript NM_001458.5 (MANE Select); coding-DNA positions 917 to 918, GC replaced by TT.
Protein change: p.Gly306Val; replaces glycine 306 with valine.
Molecular consequence: missense variant.
Genome position (GRCh38, 1-based): chr7:128,837,703-128,837,704, GC replaced by TT. VCF-style: chr7-128837703-GC-TT. GRCh37 (hg19) VCF-style: chr7-128477757-GC-TT.
Other names: c.917_918delinsTT, p.Gly306Val (NM_001127487.2); short protein forms G306V.
Identifiers: ClinVar variation 1766048 (VCV001766048.2), dbSNP rs2536619048, ClinGen allele CA2580076577.

ClinVar aggregate classification (germline): Uncertain significance (1 of 4 stars; one submission).

Conditions:
Cardiovascular phenotype. Identifiers: MedGen CN230736.

Submission:

Ambry Genetics
Classification: Uncertain significance for Cardiovascular phenotype. Last evaluated: 2020-10-19. Review status: criteria provided, single submitter. Criteria: Ambry Variant Classification Scheme 2023. Collection method: clinical testing. Allele origin: germline.
Comment: The c.917_918delGCinsTT variant (also known as p.G306V), located in coding exon 5 of the FLNC gene, results from an in-frame deletion of GC and insertion of TT at nucleotide positions 917 to 918. This results in the substitution of the glycine residue for a valine residue at codon 306, an amino acid with dissimilar properties. This amino acid position is highly conserved in available vertebrate species. In addition, this alteration is predicted to be deleterious by in silico analysis (Choi Y et al. PLoS ONE. 2012; 7(10):e46688). Since supporting evidence is limited at this time, the clinical significance of this alteration remains unclear.